The following is an entry in ClinVar:

ClinVar aggregate classification (germline): Uncertain significance (1 of 4 stars; one submission).

Conditions:
PURA-related severe neonatal hypotonia-seizures-encephalopathy syndrome (NEDRIHF). Also called: NEURODEVELOPMENTAL DISORDER WITH NEONATAL RESPIRATORY INSUFFICIENCY, HYPOTONIA, AND FEEDING DIFFICULTIES; PURA-Related Neurodevelopmental Disorders. Identifiers: Orphanet 438213, Orphanet 438216, MedGen C4015357, MONDO:1060108, OMIM 616158, MONDO:0018580.

Allele frequency attached by ClinVar (database versions not stated): gnomAD exomes below 0.00001; gnomAD 0.00001; 1000 Genomes Project 30x 0.00016; 1000 Genomes Project 0.00020.
gnomAD v4.1: 2 of 1,010,734 alleles (0.0002%); highest among the groups gnomAD compares: Admixed American, 0.0047%; no homozygotes.

Submission:

Labcorp Genetics (formerly Invitae), Labcorp
Classification: Uncertain significance for PURA-related severe neonatal hypotonia-seizures-encephalopathy syndrome. Last evaluated: 2022-03-27. Review status: criteria provided, single submitter. Criteria: Invitae Variant Classification Sherloc (09022015). Collection method: clinical testing. Allele origin: germline.
Comment: In summary, the available evidence is currently insufficient to determine the role of this variant in disease. Therefore, it has been classified as a Variant of Uncertain Significance. Algorithms developed to predict the effect of missense changes on protein structure and function are either unavailable or do not agree on the potential impact of this missense change (SIFT: "Tolerated"; PolyPhen-2: "Not Available"; Align-GVGD: "Class C0"). This variant has not been reported in the literature in individuals affected with PURA-related conditions. The frequency data for this variant in the population databases is considered unreliable, as metrics indicate insufficient coverage at this position in the gnomAD database. This sequence change replaces alanine, which is neutral and non-polar, with valine, which is neutral and non-polar, at codon 13 of the PURA protein (p.Ala13Val).

NM_005859.5(PURA):c.38C>T (p.Ala13Val)

Gene: PURA (purine rich element binding protein A; plus strand). Cytogenetic location: 5q31.3.
Variant type: single nucleotide variant.
Coding change: c.38C>T on transcript NM_005859.5 (MANE Select); coding-DNA position 38, C replaced by T.
Protein change: p.Ala13Val; replaces alanine 13 with valine.
Molecular consequence: missense variant.
Genome position (GRCh38, 1-based): chr5:140,114,219, C>T. VCF-style: chr5-140114219-C-T. GRCh37 (hg19) VCF-style: chr5-139493804-C-T.
Other names: short protein forms A13V.
Identifiers: ClinVar variation 2117953 (VCV002117953.4), dbSNP rs533257824, ClinGen allele CA128789387.